The following is an entry in ClinVar:

NM_000312.4(PROC):c.1175G>C (p.Gly392Ala)

Gene: PROC (protein C, inactivator of coagulation factors Va and VIIIa; plus strand). Cytogenetic location: 2q14.3.
Variant type: single nucleotide variant.
Coding change: c.1175G>C on transcript NM_000312.4 (MANE Select); coding-DNA position 1175, G replaced by C.
Protein change: p.Gly392Ala; replaces glycine 392 with alanine.
Molecular consequence: missense variant.
Genome position (GRCh38, 1-based): chr2:127,428,735, G>C. VCF-style: chr2-127428735-G-C. GRCh37 (hg19) VCF-style: chr2-128186311-G-C.
Other names: c.1175G>C, p.Gly392Ala (NM_001375613.1, NM_001375611.1); c.1358G>C, p.Gly453Ala (NM_001375602.1); c.1340G>C, p.Gly447Ala (NM_001375603.1); c.1238G>C, p.Gly413Ala (NM_001375604.1); c.1277G>C, p.Gly426Ala (NM_001375605.1); c.1343G>C, p.Gly448Ala (NM_001375606.1); c.1361G>C, p.Gly454Ala (NM_001375607.1); c.1118G>C, p.Gly373Ala (NM_001375608.1); and 2 more; short protein forms G373A, G384A, G390A, G392A, G413A, G426A, G447A, G448A.
Identifiers: ClinVar variation 4848217 (VCV004848217.1).

ClinVar aggregate classification (germline): Uncertain significance (1 of 4 stars; one submission).

Submission:

Women's Health and Genetics/Laboratory Corporation of America, LabCorp
Classification: Uncertain significance. Last evaluated: 2026-02-19. Review status: criteria provided, single submitter. Criteria: LabCorp Variant Classification Summary - May 2015. Collection method: clinical testing. Allele origin: germline.
Comment: Variant summary: PROC c.1175G>C (p.Gly392Ala) results in a non-conservative amino acid change in the encoded protein sequence. Algorithms developed to predict the effect of missense changes on protein structure and function all suggest that this variant is likely to be disruptive. The variant was absent in 250790 control chromosomes. The available data on variant occurrences in the general population are insufficient to allow any conclusion about variant significance. To our knowledge, no occurrence of c.1175G>C in individuals affected with PROC-related conditions and no experimental evidence demonstrating its impact on protein function have been reported. No submitters have cited clinical-significance assessments for this variant to ClinVar. Based on the evidence outlined above, the variant was classified as uncertain significance.